The following is an entry in ClinVar:

ClinVar aggregate classification (germline): Uncertain significance. Review status: criteria provided, multiple submitters, no conflicts (2 of 4 stars). 2 submissions from 2 submitters: Uncertain significance (2). Last evaluated 2026-02-01.

Conditions:
RASopathy. Also called: Noonan spectrum disorder; rasopathies. Identifiers: Orphanet 536391, MedGen C5555857, MONDO:0021060.
Cardiovascular phenotype. Identifiers: MedGen CN230736.

Submissions (2):

Labcorp Genetics (formerly Invitae), Labcorp
Classification: Uncertain significance for RASopathy. Last evaluated: 2026-02-01. Review status: criteria provided, single submitter. Criteria: Invitae Variant Classification Sherloc (09022015). Collection method: clinical testing. Allele origin: germline.
Comment: This sequence change replaces asparagine, which is neutral and polar, with serine, which is neutral and polar, at codon 150 of the CBL protein (p.Asn150Ser). This variant is not present in population databases (gnomAD no frequency). This variant has not been reported in the literature in individuals affected with CBL-related conditions. ClinVar contains an entry for this variant (Variation ID: 3716488). Invitae Evidence Modeling of protein sequence and biophysical properties (such as structural, functional, and spatial information, amino acid conservation, physicochemical variation, residue mobility, and thermodynamic stability) indicates that this missense variant is not expected to disrupt CBL protein function with a negative predictive value of 95%. In summary, the available evidence is currently insufficient to determine the role of this variant in disease. Therefore, it has been classified as a Variant of Uncertain Significance.

Ambry Genetics
Classification: Uncertain significance for Cardiovascular phenotype. Last evaluated: 2025-08-28. Review status: criteria provided, single submitter. Criteria: Ambry Variant Classification Scheme 2023. Collection method: clinical testing. Allele origin: germline.
Comment: The p.N150S variant (also known as c.449A>G), located in coding exon 3 of the CBL gene, results from an A to G substitution at nucleotide position 449. The asparagine at codon 150 is replaced by serine, an amino acid with highly similar properties. This amino acid position is conserved. In addition, this alteration is predicted to be tolerated by in silico analysis. Based on the available evidence, the clinical significance of this variant remains unclear.

NM_005188.4(CBL):c.449A>G (p.Asn150Ser)

Gene: CBL (Cbl proto-oncogene; plus strand). Cytogenetic location: 11q23.3.
Variant type: single nucleotide variant.
Coding change: c.449A>G on transcript NM_005188.4 (MANE Select); coding-DNA position 449, A replaced by G.
Protein change: p.Asn150Ser; replaces asparagine 150 with serine.
Molecular consequence: missense variant.
Genome position (GRCh38, 1-based): chr11:119,271,740, A>G. VCF-style: chr11-119271740-A-G. GRCh37 (hg19) VCF-style: chr11-119142450-A-G.
Other names: c.449A>G (NM_005188.2); short protein forms N150S.
Identifiers: ClinVar variation 3716488 (VCV003716488.3).